The following is an entry in ClinVar:

ClinVar aggregate classification (germline): Uncertain significance (1 of 4 stars; one submission).

Conditions:
Multiple sulfatase deficiency (MSD). Also called: Mucosulfatidosis; Multiple Sulfatase Deficiency Disease; Sulfatidosis, Juvenile, Austin Type. Identifiers: Orphanet 585, MedGen C0268263, MONDO:0010088, OMIM 272200.

Submission:

OLLIN Analises Genomicas, OLLIN
Classification: Uncertain significance for Multiple sulfatase deficiency. Last evaluated: 2026-08-06. Review status: criteria provided, single submitter. Criteria: ACMG Guidelines 2015 PMID 25741868. Collection method: clinical testing. Allele origin: germline. Inheritance: Autosomal recessive inheritance.
Comment: This missense variant, located in exon 4 (of 9), is absent from gnomAD and ClinVar and has not been identified in the literature. In silico analysis predicts that this variant has a deleterious effect. Another pathogenic variant affecting the same amino acid residue has been reported. According to the currently available evidence, this variant has been classified as uncertain significance (PM2_P, PM5, PP3_M).

NM_182760.4(SUMF1):c.537G>C (p.Trp179Cys)

Gene: SUMF1 (sulfatase modifying factor 1; minus strand). Cytogenetic location: 3p26.1.
Variant type: single nucleotide variant.
Coding change: c.537G>C on transcript NM_182760.4 (MANE Select); coding-DNA position 537, G replaced by C.
Protein change: p.Trp179Cys; replaces tryptophan 179 with cysteine.
Molecular consequence: missense variant.
Genome position (GRCh38, 1-based): chr3:4,420,129, C>G on the plus strand (G>C on the coding strand, the complement: SUMF1 is on the minus strand). VCF-style: chr3-4420129-C-G. GRCh37 (hg19) VCF-style: chr3-4461813-C-G.
Other names: c.462G>C, p.Trp154Cys (NM_001164674.2); c.537G>C, p.Trp179Cys (NM_001164675.2); short protein forms W154C, W179C.
Identifiers: ClinVar variation 5002777 (VCV005002777.1).